The following is an entry in ClinVar:

NM_004795.4(KL):c.944A>G (p.Glu315Gly)

Gene: KL (klotho; plus strand). Cytogenetic location: 13q13.1.
Variant type: single nucleotide variant.
Coding change: c.944A>G on transcript NM_004795.4 (MANE Select); coding-DNA position 944, A replaced by G.
Protein change: p.Glu315Gly; replaces glutamic acid 315 with glycine.
Molecular consequence: missense variant.
Genome position (GRCh38, 1-based): chr13:33,053,891, A>G. VCF-style: chr13-33053891-A-G. GRCh37 (hg19) VCF-style: chr13-33628028-A-G.
Other names: short protein forms E315G.
Identifiers: ClinVar variation 1417990 (VCV001417990.7), dbSNP rs759972130, ClinGen allele CA6944003.

ClinVar aggregate classification (germline): Uncertain significance. Review status: criteria provided, multiple submitters, no conflicts (2 of 4 stars). 2 submissions from 2 submitters: Uncertain significance (2). Last evaluated 2022-09-07.

Conditions:
Tumoral calcinosis, hyperphosphatemic, familial, 3. Identifiers: MedGen C4693864, MONDO:0060715, OMIM 617994.

Allele frequency attached by ClinVar (database versions not stated): gnomAD 0.00001 and 0.00002; ExAC 0.00002; TOPMed 0.00002; gnomAD exomes 0.00003 and 0.00004.
gnomAD v4.1: 49 of 1,614,092 alleles (0.003%); highest among the groups gnomAD compares: Non-Finnish European, 0.0027%; no homozygotes.

Submissions (2):

Labcorp Genetics (formerly Invitae), Labcorp
Classification: Uncertain significance. Last evaluated: 2022-09-07. Review status: criteria provided, single submitter. Criteria: Invitae Variant Classification Sherloc (09022015). Collection method: clinical testing. Allele origin: germline.
Comment: This sequence change replaces glutamic acid, which is acidic and polar, with glycine, which is neutral and non-polar, at codon 315 of the KL protein (p.Glu315Gly). This variant is present in population databases (rs759972130, gnomAD 0.04%). This variant has not been reported in the literature in individuals affected with KL-related conditions. ClinVar contains an entry for this variant (Variation ID: 1417990). Algorithms developed to predict the effect of missense changes on protein structure and function are either unavailable or do not agree on the potential impact of this missense change (SIFT: "Deleterious"; PolyPhen-2: "Benign"; Align-GVGD: "Class C0"). In summary, the available evidence is currently insufficient to determine the role of this variant in disease. Therefore, it has been classified as a Variant of Uncertain Significance.

Fulgent Genetics
Classification: Uncertain significance for Tumoral calcinosis, hyperphosphatemic, familial, 3. Last evaluated: 2022-02-24. Review status: criteria provided, single submitter. Criteria: ACMG Guidelines, 2015. Collection method: clinical testing. Allele origin: unknown.